The following is an entry in ClinVar:

ClinVar aggregate classification (germline): Pathogenic. Review status: reviewed by expert panel (3 of 4 stars). 2 submissions from 2 submitters: Pathogenic (1). 1 of the submissions does not count toward it. Last evaluated 2016-10-18.

Conditions:
Breast-ovarian cancer, familial, susceptibility to, 1 (BROVCA1). Also called: BRCA1 Hereditary Breast and Ovarian Cancer; OVARIAN CANCER, SUSCEPTIBILITY TO. Identifiers: Orphanet 145, MedGen C2676676, MONDO:0011450, OMIM 604370. Disease mechanism: loss of function.

Submissions (2):

Evidence-based Network for the Interpretation of Germline Mutant Alleles (ENIGMA)
Classification: Pathogenic for Breast-ovarian cancer, familial, susceptibility to, 1. Last evaluated: 2016-10-18. Review status: reviewed by expert panel. Criteria: ENIGMA BRCA1/2 Classification Criteria (2015). Collection method: curation. Allele origin: germline.
Comment: Variant allele predicted to encode a truncated non-functional protein.

Consortium of Investigators of Modifiers of BRCA1/2 (CIMBA), c/o University of Cambridge
Classification: Pathogenic for Breast-ovarian cancer, familial, susceptibility to, 1. Last evaluated: 2015-10-02. Review status: criteria provided, single submitter. Criteria: CIMBA Mutation Classification guidelines May 2016. Collection method: clinical testing. Allele origin: germline. Not counted in ClinVar's aggregate classification.

NM_007294.4(BRCA1):c.2185_2189del (p.Glu729fs)

Gene: BRCA1 (BRCA1 DNA repair associated; minus strand). Cytogenetic location: 17q21.31.
Variant type: Deletion.
Coding change: c.2185_2189del on transcript NM_007294.4 (MANE Select); coding-DNA positions 2185 to 2189, 5 bases deleted (GAAGA; older notation c.2185_2189delGAAGA).
Protein change: p.Glu729fs; shifts the reading frame from glutamic acid 729.
Molecular consequence: frameshift variant. On other transcripts: intron variant (137).
Genome position (GRCh38, 1-based): chr17:43,093,342-43,093,346, TCTTC deleted on the plus strand (GAAGA on the coding strand, the reverse complement: BRCA1 is on the minus strand); deleting any 5 consecutive bases within chr17:43,093,342-43,093,350 gives the same sequence; the c. name uses the placement nearest the transcript's 3' end. VCF-style (leftmost placement, unchanged base first): chr17-43093341-TTCTTC-T. GRCh37 (hg19) VCF-style: chr17-41245358-TTCTTC-T.
Other names: 2304del5; c.2182_2186del, p.Glu728fs (NM_001407635.1, NM_001407636.1, NM_001407637.1 and 22 more transcripts); c.2185_2189del, p.Glu729fs (NM_001407639.1, NM_001407640.1, NM_001407641.1 and 30 more transcripts); c.2176_2180del, p.Glu726fs (NM_001407646.1, NM_001407647.1); c.2062_2066del, p.Glu688fs (NM_001407648.1, NM_001407664.1, NM_001407665.1 and 19 more transcripts); c.2059_2063del, p.Glu687fs (NM_001407649.1, NM_001407670.1, NM_001407671.1 and 11 more transcripts); c.2107_2111del, p.Glu703fs (NM_001407653.1, NM_001407654.1, NM_001407655.1 and 4 more transcripts); c.2104_2108del, p.Glu702fs (NM_001407659.1, NM_001407660.1, NM_001407661.1 and 1 more transcripts); and 43 more; short protein forms E729fs, E682fs, E602fs, E617fs, E659fs, E702fs, E703fs, E561fs.
Identifiers: ClinVar variation 266230 (VCV000266230.6), dbSNP rs886040007, ClinGen allele CA10589882.
Genomic context (GRCh38, chr17:43,093,341, plus strand): 5'-GAGATCTTTGGGGTCTTCAGCATTATTAGACACTTTAACTGTTTCTAGTTTCTCTTCTTT[TTCTTC>T]TCTTGGAAGGCTAGGATTGACAAATTCTTTAAGTTCACTGGTATTTGAACACTTAGTAAA-3'